The following is an entry in ClinVar:

ClinVar aggregate classification (germline): Uncertain significance (1 of 4 stars; one submission).

Conditions:
BMP7-related disorder. Also called: BMP7-related condition.

gnomAD v4.1: 12 of 1,548,486 alleles (0.00077%); highest among the groups gnomAD compares: African/African-American, 0.0096%; no homozygotes.

Submission:

PreventionGenetics, part of Exact Sciences
Classification: Uncertain significance for BMP7-related condition. Last evaluated: 2025-09-05. Review status: criteria provided, single submitter. Criteria: ACMG Guidelines, 2015. Collection method: clinical testing. Allele origin: germline.
Comment: The BMP7 c.106G>A variant is predicted to result in the amino acid substitution p.Glu36Lys. To our knowledge, this variant has not been reported in the literature. This variant is reported in 0.025% of alleles in individuals of African descent in gnomAD. At this time, the clinical significance of this variant is uncertain due to the absence of conclusive functional and genetic evidence.

NM_001719.3(BMP7):c.106G>A (p.Glu36Lys)

Gene: BMP7 (bone morphogenetic protein 7; minus strand). Cytogenetic location: 20q13.31.
Variant type: single nucleotide variant.
Coding change: c.106G>A on transcript NM_001719.3 (MANE Select); coding-DNA position 106, G replaced by A.
Protein change: p.Glu36Lys; replaces glutamic acid 36 with lysine.
Molecular consequence: missense variant.
Genome position (GRCh38, 1-based): chr20:57,266,017, C>T on the plus strand (G>A on the coding strand, the complement: BMP7 is on the minus strand). VCF-style: chr20-57266017-C-T. GRCh37 (hg19) VCF-style: chr20-55841073-C-T.
Other names: short protein forms E36K.
Identifiers: ClinVar variation 4979251 (VCV004979251.1).